The following is an entry in ClinVar:

NM_001365536.1(SCN9A):c.5492T>G (p.Val1831Gly)

Genes: SCN1A-AS1 (SCN1A and SCN9A antisense RNA 1; plus strand), SCN9A (sodium voltage-gated channel alpha subunit 9; minus strand). Cytogenetic location: 2q24.3.
Variant type: single nucleotide variant.
Coding change: c.5492T>G on transcript NM_001365536.1 (MANE Select); coding-DNA position 5492, T replaced by G.
Protein change: p.Val1831Gly; replaces valine 1831 with glycine.
Molecular consequence: missense variant.
Genome position (GRCh38, 1-based): chr2:166,199,147, A>C on the plus strand (T>G on the coding strand, the complement: SCN9A is on the minus strand). VCF-style: chr2-166199147-A-C. GRCh37 (hg19) VCF-style: chr2-167055657-A-C.
Other names: c.5459T>G, p.Val1820Gly (NM_002977.4); short protein forms V1820G, V1831G.
Identifiers: ClinVar variation 1056922 (VCV001056922.6), dbSNP rs1693352141, ClinGen allele CA349052618.
Genomic context (GRCh38, chr2:166,199,147, plus strand): 5'-CCCAAAACACGCTTTGTAAAAGCAAATAAGATGTCAAGACAATGGATCCGGTCACCACTA[A>C]CCATGGGCAGATCCATGGCAATGAGCTGGACTTTGTTGGGTTTTGCTATGAGAAGAGGAG-3'
Protein context (NP_001352465.1, residues 1821-1841): VQLIAMDLPM[Val1831Gly]SGDRIHCLDI

ClinVar aggregate classification (germline): Uncertain significance (1 of 4 stars; one submission).

Conditions:
Generalized epilepsy with febrile seizures plus, type 7 (GEFSP7). Also called: GEFS+, TYPE 7. Identifiers: Orphanet 36387, MedGen C2751778, MONDO:0013470, OMIM 613863.
Neuropathy, hereditary sensory and autonomic, type 2A (HSAN2A). Also called: HSAN IIA; ACROOSTEOLYSIS, GIACCAI TYPE; ACROOSTEOLYSIS, NEUROGENIC; MORVAN DISEASE; NEUROPATHY, CONGENITAL SENSORY; NEUROPATHY, HEREDITARY SENSORY RADICULAR, AUTOSOMAL RECESSIVE. Identifiers: Orphanet 970, MedGen C2752089, MONDO:0024309, OMIM 201300.

Submission:

Labcorp Genetics (formerly Invitae), Labcorp
Classification: Uncertain significance for Neuropathy, hereditary sensory and autonomic, type 2A; Generalized epilepsy with febrile seizures plus, type 7. Last evaluated: 2024-03-03. Review status: criteria provided, single submitter. Criteria: Invitae Variant Classification Sherloc (09022015). Collection method: clinical testing. Allele origin: germline.
Comment: This sequence change replaces valine, which is neutral and non-polar, with glycine, which is neutral and non-polar, at codon 1820 of the SCN9A protein (p.Val1820Gly). This variant is not present in population databases (gnomAD no frequency). This variant has not been reported in the literature in individuals affected with SCN9A-related conditions. ClinVar contains an entry for this variant (Variation ID: 1056922). Advanced modeling of protein sequence and biophysical properties (such as structural, functional, and spatial information, amino acid conservation, physicochemical variation, residue mobility, and thermodynamic stability) has been performed at Invitae for this missense variant, however the output from this modeling did not meet the statistical confidence thresholds required to predict the impact of this variant on SCN9A protein function. In summary, the available evidence is currently insufficient to determine the role of this variant in disease. Therefore, it has been classified as a Variant of Uncertain Significance.